The following is an entry in ClinVar:

ClinVar aggregate classification (germline): Uncertain significance. Review status: criteria provided, multiple submitters, no conflicts (2 of 4 stars). 2 submissions from 2 submitters: Uncertain significance (2). Last evaluated 2025-07-15.

Conditions:
Familial meningioma. Also called: Meningioma, familial, susceptibility to. Identifiers: Orphanet 263662, MedGen C3551915, MONDO:0011789, OMIM 607174.
Hereditary cancer-predisposing syndrome. Also called: Hereditary neoplastic syndrome; Neoplastic Syndromes, Hereditary; Tumor predisposition; Hereditary Cancer Syndrome. Identifiers: Orphanet 140162, MedGen C0027672, MeSH D009386, MONDO:0015356.

Submissions (2):

Ambry Genetics
Classification: Uncertain significance for Hereditary cancer-predisposing syndrome. Last evaluated: 2025-07-15. Review status: criteria provided, single submitter. Criteria: Ambry Variant Classification Scheme 2023. Collection method: clinical testing. Allele origin: germline.
Comment: The p.D264N variant (also known as c.790G>A), located in coding exon 8 of the SMARCE1 gene, results from a G to A substitution at nucleotide position 790. The aspartic acid at codon 264 is replaced by asparagine, an amino acid with highly similar properties. This amino acid position is conserved. In addition, this alteration is predicted to be tolerated by in silico analysis. Based on the available evidence, the clinical significance of this variant remains unclear.

Labcorp Genetics (formerly Invitae), Labcorp
Classification: Uncertain significance for Familial meningioma. Last evaluated: 2023-08-02. Review status: criteria provided, single submitter. Criteria: Invitae Variant Classification Sherloc (09022015). Collection method: clinical testing. Allele origin: germline.
Comment: In summary, the available evidence is currently insufficient to determine the role of this variant in disease. Therefore, it has been classified as a Variant of Uncertain Significance. Advanced modeling of protein sequence and biophysical properties (such as structural, functional, and spatial information, amino acid conservation, physicochemical variation, residue mobility, and thermodynamic stability) performed at Invitae indicates that this missense variant is not expected to disrupt SMARCE1 protein function. ClinVar contains an entry for this variant (Variation ID: 532243). This variant has not been reported in the literature in individuals affected with SMARCE1-related conditions. This variant is not present in population databases (gnomAD no frequency). This sequence change replaces aspartic acid, which is acidic and polar, with asparagine, which is neutral and polar, at codon 264 of the SMARCE1 protein (p.Asp264Asn).

NM_003079.5(SMARCE1):c.790G>A (p.Asp264Asn)

Gene: SMARCE1 (SWI/SNF related BAF chromatin remodeling complex subunit E1; minus strand). Cytogenetic location: 17q21.2.
Variant type: single nucleotide variant.
Coding change: c.790G>A on transcript NM_003079.5 (MANE Select); coding-DNA position 790, G replaced by A.
Protein change: p.Asp264Asn; replaces aspartic acid 264 with asparagine.
Molecular consequence: missense variant.
Genome position (GRCh38, 1-based): chr17:40,631,618, C>T on the plus strand (G>A on the coding strand, the complement: SMARCE1 is on the minus strand). VCF-style: chr17-40631618-C-T. GRCh37 (hg19) VCF-style: chr17-38787870-C-T.
Other names: short protein forms D264N.
Identifiers: ClinVar variation 532243 (VCV000532243.9), dbSNP rs1555605342, ClinGen allele CA399364244.